The following is an entry in ClinVar:

ClinVar aggregate classification (germline): Uncertain significance. Review status: criteria provided, multiple submitters, no conflicts (2 of 4 stars). 2 submissions from 2 submitters: Uncertain significance (2). Last evaluated 2025-06-22.

Allele frequency attached by ClinVar (database versions not stated): gnomAD exomes below 0.00001; TOPMed below 0.00001; ExAC 0.00001.

Submissions (2):

Labcorp Genetics (formerly Invitae), Labcorp
Classification: Uncertain significance. Last evaluated: 2025-06-22. Review status: criteria provided, single submitter. Criteria: Invitae Variant Classification Sherloc (09022015). Collection method: clinical testing. Allele origin: germline.
Comment: This sequence change replaces tyrosine, which is neutral and polar, with histidine, which is basic and polar, at codon 774 of the CLCN6 protein (p.Tyr774His). This variant is present in population databases (rs775741733, gnomAD 0.003%). This variant has not been reported in the literature in individuals affected with CLCN6-related conditions. ClinVar contains an entry for this variant (Variation ID: 1494554). An algorithm developed to predict the effect of missense changes on protein structure and function (PolyPhen-2) suggests that this variant is likely to be tolerated. In summary, the available evidence is currently insufficient to determine the role of this variant in disease. Therefore, it has been classified as a Variant of Uncertain Significance.

Ambry Genetics
Classification: Uncertain significance. Last evaluated: 2025-06-18. Review status: criteria provided, single submitter. Criteria: Ambry Variant Classification Scheme 2023. Collection method: clinical testing. Allele origin: germline.

NM_001286.5(CLCN6):c.2320T>C (p.Tyr774His)

Gene: CLCN6 (chloride voltage-gated channel 6; plus strand). Cytogenetic location: 1p36.22.
Variant type: single nucleotide variant.
Coding change: c.2320T>C on transcript NM_001286.5 (MANE Select); coding-DNA position 2320, T replaced by C.
Protein change: p.Tyr774His; replaces tyrosine 774 with histidine.
Molecular consequence: missense variant. On other transcripts: non-coding transcript variant (1).
Genome position (GRCh38, 1-based): chr1:11,838,359, T>C. VCF-style: chr1-11838359-T-C. GRCh37 (hg19) VCF-style: chr1-11898416-T-C.
Other names: c.2320T>C (NM_001286.2); c.2254T>C, p.Tyr752His (NM_001256959.2); short protein forms Y752H, Y774H.
Identifiers: ClinVar variation 1494554 (VCV001494554.9), dbSNP rs775741733, ClinGen allele CA596803.
Genomic context (GRCh38, chr1:11,838,359, plus strand): 5'-GCCTGAGCACGGACAGTGTCTGGGTTGGAATTGCAGAGCGCCAGCCAGCCGCGCCTCTCC[T>C]ATGCCGAGATGGCCGAGGACTACCCGCGGTACCCCGACATCCACGACCTGGACCTGACGC-3'
Protein context (NP_001277.2, residues 764-784): QSSASQPRLS[Tyr774His]AEMAEDYPRY